The following is an entry in ClinVar:

NM_007194.4(CHEK2):c.1306del (p.Ser435_Leu436insTer)

Gene: CHEK2 (checkpoint kinase 2; minus strand). Cytogenetic location: 22q12.1.
Variant type: Deletion.
Coding change: c.1306del on transcript NM_007194.4 (MANE Select); coding-DNA position 1306, one base deleted (C; older notation c.1306delC).
Protein change: p.Ser435_Leu436insTer.
Molecular consequence: nonsense. On other transcripts: frameshift variant (4).
Genome position (GRCh38, 1-based): chr22:28,695,196, G deleted on the plus strand (C on the coding strand, the reverse complement: CHEK2 is on the minus strand). VCF-style (leftmost placement, unchanged base first): chr22-28695195-AG-A. GRCh37 (hg19) VCF-style: chr22-29091183-AG-A.
Other names: c.1435delC, p.Leu479Terfs (NM_001005735.3); c.643delC, p.Leu215Terfs (NM_001257387.3); c.1105delC, p.Leu369Terfs (NM_001349956.3); c.1219delC, p.Leu407Terfs (NM_145862.3).
Identifiers: ClinVar variation 1371825 (VCV001371825.10), dbSNP rs2145794764, ClinGen allele CA2573157934.
Genomic context (GRCh38, chr22:28,695,195, plus strand): 5'-GAGACTTCTGCCCAGACTTCAGGAATGAAGTTGTATTTTCCACTGGTGATCTGATCCTTC[AG>A]TGACACTTGAGTCCTATGCTCAGAGAAAGGTGGATACCCACTAAGGCTTAATATTGGTAG-3'

ClinVar aggregate classification (germline): Pathogenic. Review status: criteria provided, multiple submitters, no conflicts (2 of 4 stars). 3 submissions from 3 submitters: Pathogenic (3). Last evaluated 2025-05-05.

Conditions:
Hereditary cancer-predisposing syndrome. Also called: Neoplastic Syndromes, Hereditary; Tumor predisposition; Hereditary neoplastic syndrome; Hereditary Cancer Syndrome. Identifiers: Orphanet 140162, MedGen C0027672, MeSH D009386, MONDO:0015356.
Familial cancer of breast. Also called: hereditary breast carcinoma; Hereditary breast cancer; BREAST CANCER, FAMILIAL. Identifiers: Orphanet 227535, MedGen C0346153, MONDO:0016419, OMIM 114480. Disease mechanism: loss of function.

Submissions (3):

Labcorp Genetics (formerly Invitae), Labcorp
Classification: Pathogenic for Familial cancer of breast. Last evaluated: 2025-05-05. Review status: criteria provided, single submitter. Criteria: Invitae Variant Classification Sherloc (09022015). Collection method: clinical testing. Allele origin: germline.
Comment: This sequence change creates a premature translational stop signal (p.Leu436*) in the CHEK2 gene. It is expected to result in an absent or disrupted protein product. Loss-of-function variants in CHEK2 are known to be pathogenic (PMID: 21876083, 24713400). This variant is not present in population databases (gnomAD no frequency). This variant has not been reported in the literature in individuals affected with CHEK2-related conditions. ClinVar contains an entry for this variant (Variation ID: 1371825). For these reasons, this variant has been classified as Pathogenic.

Myriad Genetics, Inc.
Classification: Pathogenic for Familial cancer of breast. Last evaluated: 2023-06-28. Review status: criteria provided, single submitter. Criteria: Myriad Autosomal Dominant, Autosomal Recessive and X-Linked Classification Criteria (2023). Collection method: clinical testing. Allele origin: unknown.
Comment: This variant is considered pathogenic. This variant creates a termination codon and is predicted to result in premature protein truncation.

Ambry Genetics
Classification: Pathogenic for Hereditary cancer-predisposing syndrome. Last evaluated: 2022-03-28. Review status: criteria provided, single submitter. Criteria: Ambry Variant Classification Scheme 2023. Collection method: clinical testing. Allele origin: germline.
Comment: The c.1306delC pathogenic mutation, located in coding exon 11 of the CHEK2 gene, results from a deletion of one nucleotide at nucleotide position 1306, causing a translational frameshift with a predicted alternate stop codon (p.L436*). This variant is considered to be rare based on population cohorts in the Genome Aggregation Database (gnomAD). This alteration is expected to result in loss of function by premature protein truncation or nonsense-mediated mRNA decay. As such, this alteration is interpreted as a disease-causing mutation.

Literature cited by the submitters: PubMed 21876083 (cited by Labcorp Genetics (formerly Invitae), Labcorp); PubMed 24713400 (cited by Labcorp Genetics (formerly Invitae), Labcorp).